The following is an entry in ClinVar:

NM_004714.3(DYRK1B):c.1298G>A (p.Arg433His)

Gene: DYRK1B (dual specificity tyrosine phosphorylation regulated kinase 1B; minus strand). Cytogenetic location: 19q13.2.
Variant type: single nucleotide variant.
Coding change: c.1298G>A on transcript NM_004714.3 (MANE Select); coding-DNA position 1298, G replaced by A.
Protein change: p.Arg433His; replaces arginine 433 with histidine.
Molecular consequence: missense variant.
Genome position (GRCh38, 1-based): chr19:39,826,785, C>T on the plus strand (G>A on the coding strand, the complement: DYRK1B is on the minus strand). VCF-style: chr19-39826785-C-T. GRCh37 (hg19) VCF-style: chr19-40317425-C-T.
Other names: c.1178G>A, p.Arg393His (NM_006483.3); c.1214G>A, p.Arg405His (NM_006484.3); short protein forms R393H, R405H, R433H.
Identifiers: ClinVar variation 3629028 (VCV003629028.2).

ClinVar aggregate classification (germline): Uncertain significance (1 of 4 stars; one submission).

gnomAD v4.1: 27 of 1,554,252 alleles (0.0017%); highest among the groups gnomAD compares: Admixed American, 0.0039%; no homozygotes.

Submission:

Labcorp Genetics (formerly Invitae), Labcorp
Classification: Uncertain significance. Last evaluated: 2024-06-12. Review status: criteria provided, single submitter. Criteria: Invitae Variant Classification Sherloc (09022015). Collection method: clinical testing. Allele origin: germline.
Comment: This sequence change replaces arginine, which is basic and polar, with histidine, which is basic and polar, at codon 433 of the DYRK1B protein (p.Arg433His). The frequency data for this variant in the population databases is considered unreliable, as metrics indicate poor data quality at this position in the gnomAD database. This variant has not been reported in the literature in individuals affected with DYRK1B-related conditions. Advanced modeling of protein sequence and biophysical properties (such as structural, functional, and spatial information, amino acid conservation, physicochemical variation, residue mobility, and thermodynamic stability) performed at Invitae indicates that this missense variant is not expected to disrupt DYRK1B protein function with a negative predictive value of 80%. In summary, the available evidence is currently insufficient to determine the role of this variant in disease. Therefore, it has been classified as a Variant of Uncertain Significance.